The following is an entry in ClinVar:

NM_000138.5(FBN1):c.7092_7093del (p.Cys2364fs)

Gene: FBN1 (fibrillin 1; minus strand). Cytogenetic location: 15q21.1.
Variant type: Deletion.
Coding change: c.7092_7093del on transcript NM_000138.5 (MANE Select); coding-DNA positions 7092 to 7093, 2 bases deleted (CT; older notation c.7092_7093delCT).
Protein change: p.Cys2364fs; shifts the reading frame from cysteine 2364.
Molecular consequence: frameshift variant.
Genome position (GRCh38, 1-based): chr15:48,427,678-48,427,679, AG deleted on the plus strand (CT on the coding strand, the reverse complement: FBN1 is on the minus strand). VCF-style (leftmost placement, unchanged base first): chr15-48427677-CAG-C. GRCh37 (hg19) VCF-style: chr15-48719874-CAG-C.
Other names: short protein forms C2364fs.
Identifiers: ClinVar variation 263859 (VCV000263859.5), dbSNP rs886038955, ClinGen allele CA10587792.
Genomic context (GRCh38, chr15:48,427,677, plus strand): 5'-GCCACAGTCCCCTGGAAAGGGCAGATCTCACAGTGGGGACCCCAGCCTCTCCCTCCGTCA[CAG>C]CAGCATTCCGATTTGGTGACGGGGTTCCTGTTGCTGGAGCCGATCTGACACATGTTTTGT-3'

ClinVar aggregate classification (germline): Pathogenic (1 of 4 stars; one submission).

Conditions:
Familial thoracic aortic aneurysm and aortic dissection (TAAD). Also called: Thoracic aortic aneurysms and dissections. Identifiers: Orphanet 91387, MedGen C4707243, MONDO:0019625.

Submission:

Ambry Genetics
Classification: Pathogenic for Familial thoracic aortic aneurysm and aortic dissection. Last evaluated: 2014-09-22. Review status: criteria provided, single submitter. Criteria: Ambry Variant Classification Scheme 2023. Collection method: clinical testing. Allele origin: germline.
Comment: The c.7092_7093delCT pathogenic mutation, located in coding exon 57 of the FBN1 gene, results from a deletion of two nucleotides between nucleotide positions 7092 and 7093, causing a translational frameshift with a predicted alternate stop codon (p.C2364Wfs*2). Since frameshifts are typically deleterious in nature, this alteration is interpreted as a disease-causing mutation (ACMG Recommendations for Standards for Interpretation and Reporting of Sequence Variations. Revision 2007. Genet Med. 2008;10:294).